The following is an entry in ClinVar:

ClinVar aggregate classification (germline): Uncertain significance (1 of 4 stars; one submission).

Conditions:
Walker-Warburg congenital muscular dystrophy. Also called: Muscular dystrophy-dystroglycanopathy, type A; Walker-Warburg syndrome. Identifiers: Orphanet 899, MedGen C0265221, MONDO:0000171.

Allele frequency attached by ClinVar (database versions not stated): ExAC 0.00001; gnomAD exomes 0.00001.

Submission:

Labcorp Genetics (formerly Invitae), Labcorp
Classification: Uncertain significance for Walker-Warburg congenital muscular dystrophy. Last evaluated: 2023-08-09. Review status: criteria provided, single submitter. Criteria: Invitae Variant Classification Sherloc (09022015). Collection method: clinical testing. Allele origin: germline.
Comment: This variant has not been reported in the literature in individuals affected with FKRP-related conditions. In summary, the available evidence is currently insufficient to determine the role of this variant in disease. Therefore, it has been classified as a Variant of Uncertain Significance. Advanced modeling of protein sequence and biophysical properties (such as structural, functional, and spatial information, amino acid conservation, physicochemical variation, residue mobility, and thermodynamic stability) performed at Invitae indicates that this missense variant is not expected to disrupt FKRP protein function. ClinVar contains an entry for this variant (Variation ID: 2145390). The frequency data for this variant in the population databases is considered unreliable, as metrics indicate poor data quality at this position in the gnomAD database. This sequence change replaces alanine, which is neutral and non-polar, with valine, which is neutral and non-polar, at codon 9 of the FKRP protein (p.Ala9Val).

NM_024301.5(FKRP):c.26C>T (p.Ala9Val)

Gene: FKRP (fukutin related protein; plus strand). Cytogenetic location: 19q13.32.
Variant type: single nucleotide variant.
Coding change: c.26C>T on transcript NM_024301.5 (MANE Select); coding-DNA position 26, C replaced by T.
Protein change: p.Ala9Val; replaces alanine 9 with valine.
Molecular consequence: missense variant.
Genome position (GRCh38, 1-based): chr19:46,755,476, C>T. VCF-style: chr19-46755476-C-T. GRCh37 (hg19) VCF-style: chr19-47258733-C-T.
Other names: c.26C>T, p.Ala9Val (NM_001039885.3); short protein forms A9V.
Identifiers: ClinVar variation 2145390 (VCV002145390.3), dbSNP rs772755355, ClinGen allele CA9532095.